The following is an entry in ClinVar:

ClinVar aggregate classification (germline): Conflicting classifications of pathogenicity. Review status: criteria provided, conflicting classifications (1 of 4 stars). 10 submissions from 10 submitters: Pathogenic (1); Likely pathogenic (2); Uncertain significance (5). 2 of the submissions do not count toward it. Last evaluated 2026-03-18.

Conditions:
Retinal macular dystrophy type 2 (MCDR2). Also called: Bull's eye macular dystrophy. Identifiers: Orphanet 319640, MedGen C4749334, MONDO:0011957, OMIM 608051.
Retinal dystrophy. Also called: Inherited retinal dystrophy. Identifiers: Orphanet 71862, MedGen C0854723, MeSH D058499, MONDO:0019118, HP:0000556.
PROM1-related disorder. Also called: PROM1-related condition; PROM1-related disorders.

Allele frequency attached by ClinVar (database versions not stated): ExAC 0.00010; gnomAD 0.00011; gnomAD exomes 0.00012; TOPMed 0.00013; ESP Exome Variant Server 0.00029.
gnomAD v4.1: 157 of 1,389,730 alleles (0.011%); highest among the groups gnomAD compares: Non-Finnish European, 0.015%; no homozygotes.

Submissions (10):

PreventionGenetics, part of Exact Sciences
Classification: Uncertain significance for PROM1-related condition. Last evaluated: 2026-03-18. Review status: criteria provided, single submitter. Criteria: ACMG Guidelines, 2015. Collection method: clinical testing. Allele origin: germline.
Comment: The PROM1 c.2490-2A>G variant is predicted to disrupt the AG splice acceptor site and interfere with normal splicing. This variant is predicted to result in an in-frame deletion of exon 24 (Alamut Visual v1.13). This variant has been reported in large cohort studies of retinal disease; however, this variant has not been reported with second PROM1 variant, and an alternate cause of disease is possible in at least three individuals (Table S1, Schlottmann et al. 2023. PubMed ID: 37217489; Table S1, Weisschuh et al. 2024. PubMed ID: 37734845; Del Pozo-Valero et al. 2019. PubMed ID: 31129250). Although a mini-gene assay demonstrates potential exon-skipping of exons 24 or both exons 24 and 25 (Maggi et al. 2024. PubMed ID: 39273516), another study of alternate splicing of PROM1 transcripts shows that 90% of known isoforms of the gene skip exon 25 naturally (Moya-Molina et al. 2024. PubMed ID: 39353897). This variant is present in 0.027% of alleles in individuals of European (non-Finnish) descent in gnomAD. At this time, the clinical significance of this variant is uncertain due to the absence of conclusive functional and genetic evidence.

Labcorp Genetics (formerly Invitae), Labcorp
Classification: Likely pathogenic. Last evaluated: 2025-07-31. Review status: criteria provided, single submitter. Criteria: Invitae Variant Classification Sherloc (09022015). Collection method: clinical testing. Allele origin: germline.
Comment: This sequence change affects an acceptor splice site in intron 23 of the PROM1 gene. It is expected to disrupt RNA splicing. Variants that disrupt the donor or acceptor splice site typically lead to a loss of protein function (PMID: 16199547), and loss-of-function variants in PROM1 are known to be pathogenic (PMID: 17605048, 19718270, 24154662, 25474345). This variant is present in population databases (rs375813885, gnomAD 0.03%). Disruption of this splice site has been observed in individual(s) with retinitis pigmentosa (PMID: 37217489, 37734845). ClinVar contains an entry for this variant (Variation ID: 867032). Algorithms developed to predict the effect of sequence changes on RNA splicing suggest that this variant may disrupt the consensus splice site. In summary, the currently available evidence indicates that the variant is pathogenic, but additional data are needed to prove that conclusively. Therefore, this variant has been classified as Likely Pathogenic.

Blueprint Genetics
Classification: Uncertain significance. Last evaluated: 2024-11-21. Review status: criteria provided, single submitter. Criteria: ACMG Guidelines, 2015. Collection method: clinical testing. Allele origin: germline.

CeGaT Center for Human Genetics Tuebingen
Classification: Uncertain significance. Last evaluated: 2024-11-01. Review status: criteria provided, single submitter. Criteria: CeGaT Center For Human Genetics Tuebingen Variant Classification Criteria Version 2. Collection method: clinical testing. Allele origin: germline. Affected: yes. Observed: 1 variant allele.
Comment: PROM1: PM2, PVS1:Moderate, PM3:Supporting

Revvity Omics, Revvity
Classification: Likely pathogenic. Last evaluated: 2022-06-10. Review status: criteria provided, single submitter. Criteria: ACMG Guidelines, 2015. Collection method: clinical testing. Allele origin: germline.

Institute of Human Genetics, University of Leipzig Medical Center
Classification: Uncertain significance for Retinal macular dystrophy type 2. Last evaluated: 2021-08-24. Review status: criteria provided, single submitter. Criteria: ACMG Guidelines, 2015. Collection method: clinical testing. Allele origin: unknown. Affected: yes.

GeneDx
Classification: Uncertain significance. Last evaluated: 2019-04-16. Review status: criteria provided, single submitter. Criteria: GeneDx Variant Classification Process June 2021. Collection method: clinical testing. Allele origin: germline. Affected: yes.
Comment: Canonical splice site variant predicted to result in an in-frame deletion of exon 24.; Has not been previously published as pathogenic or benign to our knowledge

Institute of Human Genetics, Univ. Regensburg, Univ. Regensburg
Classification: Pathogenic for Retinal dystrophy. Last evaluated: 2017-01-01. Review status: criteria provided, single submitter. Criteria: ACMG Guidelines, 2015. Collection method: clinical testing. Allele origin: germline. Affected: yes.

Clinical Genetics, Academic Medical Center
Classification: Likely pathogenic. Review status: no assertion criteria provided. Collection method: clinical testing. Allele origin: germline. Affected: yes. Study: VKGL Data-share Consensus. Not counted in ClinVar's aggregate classification.

Joint Genome Diagnostic Labs from Nijmegen and Maastricht, Radboudumc and MUMC+
Classification: Pathogenic. Review status: no assertion criteria provided. Collection method: clinical testing. Allele origin: germline. Affected: yes. Study: VKGL Data-share Consensus. Not counted in ClinVar's aggregate classification.

Literature cited by the submitters: PubMed 16199547 (cited by Labcorp Genetics (formerly Invitae), Labcorp); PubMed 17605048 (cited by Labcorp Genetics (formerly Invitae), Labcorp); PubMed 19718270 (cited by Labcorp Genetics (formerly Invitae), Labcorp); PubMed 24154662 (cited by Labcorp Genetics (formerly Invitae), Labcorp); PubMed 25474345 (cited by Labcorp Genetics (formerly Invitae), Labcorp); PubMed 37217489 (cited by Labcorp Genetics (formerly Invitae), Labcorp); PubMed 37734845 (cited by Labcorp Genetics (formerly Invitae), Labcorp); PubMed 31964843 (cited by Institute of Human Genetics, Univ. Regensburg, Univ. Regensburg).

NM_006017.3(PROM1):c.2490-2A>G

Gene: PROM1 (prominin 1; minus strand). Cytogenetic location: 4p15.32.
Variant type: single nucleotide variant.
Coding change: c.2490-2A>G on transcript NM_006017.3 (MANE Select); the canonical splice acceptor site of the intron before coding-DNA position 2490, A replaced by G.
Molecular consequence: splice acceptor variant. On other transcripts: intron variant (4).
Genome position (GRCh38, 1-based): chr4:15,979,906, T>C on the plus strand (A>G on the coding strand, the complement: PROM1 is on the minus strand). VCF-style: chr4-15979906-T-C. GRCh37 (hg19) VCF-style: chr4-15981529-T-C.
Other names: c.2463-2A>G (NM_001145848.2, NM_001145847.2, NM_001371406.1 and 1 more transcripts); c.2462+516A>G (NM_001145852.2, NM_001371408.1, NM_001371407.1); c.2489+516A>G (NM_001145850.2); c.2490-2A>G (NM_001145849.2).
Identifiers: ClinVar variation 867032 (VCV000867032.34), dbSNP rs375813885, ClinGen allele CA2866345.